The following is an entry in ClinVar:

NM_001009944.3(PKD1):c.2607C>A (p.Arg869=)

Gene: PKD1 (polycystin 1, transient receptor potential channel interacting; minus strand). Cytogenetic location: 16p13.3.
Variant type: single nucleotide variant.
Coding change: c.2607C>A on transcript NM_001009944.3 (MANE Select); coding-DNA position 2607, C replaced by A.
Protein change: p.Arg869=; no amino-acid change (arginine 869 retained).
Molecular consequence: synonymous variant.
Genome position (GRCh38, 1-based): chr16:2,114,416, G>T on the plus strand (C>A on the coding strand, the complement: PKD1 is on the minus strand). VCF-style: chr16-2114416-G-T. GRCh37 (hg19) VCF-style: chr16-2164417-G-T.
Other names: c.2607C>A, p.Arg869= (NM_000296.4).
Identifiers: ClinVar variation 997347 (VCV000997347.2), dbSNP rs537405706, ClinGen allele CA7833153.
Genomic context (GRCh38, chr16:2,114,416, plus strand): 5'-GGTCTCCCAGGGGCAGCCGGGCACGAAGGTGGCCACCAGGGCAGGGCAGACATTCTCAAA[G>T]CGGGCGCTGACACTGCCCCCAGGCCAGCGAGCCGTGGCCGTGGCGTTGGCACCAGAGTCC-3'
Protein context (NP_001009944.3, residues 859-879): ARWPGGSVSA[Arg869=]FENVCPALVA

ClinVar aggregate classification (germline): Likely benign. Review status: criteria provided, single submitter (1 of 4 stars). 2 submissions from 2 submitters: Likely benign (1). 1 of the submissions does not count toward it. Last evaluated 2021-10-08.

Conditions:
Polycystic kidney disease. Also called: Kidney, Polycystic; Polycystic kidney dysplasia. Identifiers: MedGen C0022680, MeSH D007690, MONDO:0020642, HP:0000113.

Allele frequency attached by ClinVar (database versions not stated): gnomAD 0.00001; gnomAD exomes 0.00002 and 0.00004; TOPMed 0.00002; ExAC 0.00006; 1000 Genomes Project 30x 0.00016; 1000 Genomes Project 0.00020.
gnomAD v4.1: 29 of 1,603,486 alleles (0.0018%); highest among the groups gnomAD compares: East Asian, 0.065%; no homozygotes.

Submissions (2):

Blueprint Genetics
Classification: Likely benign. Last evaluated: 2021-10-08. Review status: criteria provided, single submitter. Criteria: ACMG Guidelines, 2015. Collection method: clinical testing. Allele origin: germline.

Department of Pathology and Laboratory Medicine, Sinai Health System
Classification: Likely benign for Polycystic Kidney disease. Review status: no assertion criteria provided. Collection method: clinical testing. Allele origin: unknown. Affected: yes. Observed: 1 variant allele. Study: The Canadian Open Genetics Repository (COGR). Not counted in ClinVar's aggregate classification.
Comment: The PKD1 p.Arg869= variant was not identified in the literature, nor was it identified in the, GeneInsight COGR, ClinVar, Clinvitae, MutDB, ADPKD Mutation Database, PKD1-LOVD, or PKD1-LOVD 3.0 databases. The variant was found in dbSNP (ID: rs537405706) as â€šÃ„ÃºN/Aâ€šÃ„Ã¹, 1000 Genomes Project in 1 of 5000 chromosomes (frequency: 0.0002), the genome Aggregation Database (beta, October 19th 2016) in 9 of 232772 chromosomes (freq. 0.00004), the Exome Aggregation Consortium database (August 8th 2016) in 7 of 107774 chromosomes (freq. 0.00006) in the following populations: Asian in 7 of 8152 chromosomes (freq. 0.001), but was not seen in African, European, Finnish, Latino, Other, increasing the likelihood that this may be a low frequency benign variant in certain populations of origin. The p.Arg869= variant is not expected to have clinical significance because it does not result in a change of amino acid and is not located in a known consensus splice site. In addition, in silico or computational prediction software programs (SpliceSiteFinder, MaxEntScan, NNSPLICE, GeneSplicer, HumanSpliceFinder) do not predict a difference in splicing. In summary, based on the above information, the clinical significance of this variant cannot be determined with certainty at this time although we would lean towards a more benign role for this variant. This variant is classified as likely benign.